The following is an entry in ClinVar:

NM_147191.1(MMP21):c.72C>T (p.Pro24=)

Gene: MMP21 (matrix metallopeptidase 21; minus strand). Cytogenetic location: 10q26.2.
Variant type: single nucleotide variant.
Coding change: c.72C>T on transcript NM_147191.1 (MANE Select); coding-DNA position 72, C replaced by T.
Protein change: p.Pro24=; no amino-acid change (proline 24 retained).
Molecular consequence: synonymous variant.
Genome position (GRCh38, 1-based): chr10:125,775,750, G>A on the plus strand (C>T on the coding strand, the complement: MMP21 is on the minus strand). VCF-style: chr10-125775750-G-A. GRCh37 (hg19) VCF-style: chr10-127464319-G-A.
Identifiers: ClinVar variation 3058156 (VCV003058156.2), dbSNP rs922019040, ClinGen allele CA215322095.
Genomic context (GRCh38, chr10:125,775,750, plus strand): 5'-GGCCTGGCGCAGTGGGGACGGCTCCAGGTCCGAGCGGTCCCGGCTGTGGAAGAGACTCTC[G>A]GGCTGGGTGGGCCAGGGAGCAGCCAGCCAGCAGAGCAGCAGTGTCGGACGGAAGATGGAG-3'
Protein context (NP_671724.1, residues 14-34): CWLAAPWPTQ[Pro24=]ESLFHSRDRS

ClinVar aggregate classification (germline): Likely benign (0 of 4 stars; one submission).

Conditions:
MMP21-related disorder. Also called: MMP21-related condition.

Allele frequency attached by ClinVar (database versions not stated): TOPMed 0.00002.
gnomAD v4.1: 7 of 1,613,584 alleles (0.00043%); highest among the groups gnomAD compares: Admixed American, 0.0017%; no homozygotes.

Submission:

PreventionGenetics, part of Exact Sciences
Classification: Likely benign for MMP21-related condition. Last evaluated: 2019-02-22. Review status: no assertion criteria provided. Collection method: clinical testing. Allele origin: germline.
Comment: This variant is classified as likely benign based on ACMG/AMP sequence variant interpretation guidelines (Richards et al. 2015 PMID: 25741868, with internal and published modifications).